The following is an entry in ClinVar:

NM_001134407.3(GRIN2A):c.2253G>C (p.Gly751=)

Gene: GRIN2A (glutamate ionotropic receptor NMDA type subunit 2A; minus strand). Cytogenetic location: 16p13.2.
Variant type: single nucleotide variant.
Coding change: c.2253G>C on transcript NM_001134407.3 (MANE Select); coding-DNA position 2253, G replaced by C.
Protein change: p.Gly751=; no amino-acid change (glycine 751 retained).
Molecular consequence: synonymous variant.
Genome position (GRCh38, 1-based): chr16:9,798,380, C>G on the plus strand (G>C on the coding strand, the complement: GRIN2A is on the minus strand). VCF-style: chr16-9798380-C-G. GRCh37 (hg19) VCF-style: chr16-9892237-C-G.
Other names: c.2253G>C, p.Gly751= (NM_000833.5, NM_001134408.2).
Identifiers: ClinVar variation 2646197 (VCV002646197.24), dbSNP rs1903132669, ClinGen allele CA493680655.

ClinVar aggregate classification (germline): Likely benign (1 of 4 stars; one submission).

Submission:

CeGaT Center for Human Genetics Tuebingen
Classification: Likely benign. Last evaluated: 2026-02-01. Review status: criteria provided, single submitter. Criteria: CeGaT Center For Human Genetics Tuebingen Variant Classification Criteria Version 2. Collection method: clinical testing. Allele origin: germline. Affected: yes. Observed: 2 variant alleles.
Comment: GRIN2A: PM2:Supporting, BP4, BP7